The following is an entry in ClinVar:

NM_000264.5(PTCH1):c.4255C>G (p.Arg1419Gly)

Gene: PTCH1 (patched 1; minus strand). Cytogenetic location: 9q22.32.
Variant type: single nucleotide variant.
Coding change: c.4255C>G on transcript NM_000264.5 (MANE Select); coding-DNA position 4255, C replaced by G.
Protein change: p.Arg1419Gly; replaces arginine 1419 with glycine.
Molecular consequence: missense variant. On other transcripts: non-coding transcript variant (1).
Genome position (GRCh38, 1-based): chr9:95,447,001, G>C on the plus strand (C>G on the coding strand, the complement: PTCH1 is on the minus strand). VCF-style: chr9-95447001-G-C. GRCh37 (hg19) VCF-style: chr9-98209283-G-C.
Other names: c.4057C>G, p.Arg1353Gly (NM_001083602.3); c.4252C>G, p.Arg1418Gly (NM_001083603.3); c.3802C>G, p.Arg1268Gly (NM_001083604.3, NM_001083605.3, NM_001083606.3 and 1 more transcripts); c.4099C>G, p.Arg1367Gly (NM_001354918.2); short protein forms R1419G, R1353G, R1367G, R1268G, R1418G.
Identifiers: ClinVar variation 2094375 (VCV002094375.4), dbSNP rs139942632, ClinGen allele CA374110019.

ClinVar aggregate classification (germline): Uncertain significance (1 of 4 stars; one submission).

Conditions:
Gorlin syndrome. Also called: Basal cell nevus syndrome; Nevoid Basal Cell Carcinoma Syndrome. Identifiers: Orphanet 377, MedGen C0004779, MONDO:0007187.

Submission:

Labcorp Genetics (formerly Invitae), Labcorp
Classification: Uncertain significance for Gorlin syndrome. Last evaluated: 2022-02-07. Review status: criteria provided, single submitter. Criteria: Invitae Variant Classification Sherloc (09022015). Collection method: clinical testing. Allele origin: germline.
Comment: In summary, the available evidence is currently insufficient to determine the role of this variant in disease. Therefore, it has been classified as a Variant of Uncertain Significance. Advanced modeling of protein sequence and biophysical properties (such as structural, functional, and spatial information, amino acid conservation, physicochemical variation, residue mobility, and thermodynamic stability) performed at Invitae indicates that this missense variant is not expected to disrupt PTCH1 protein function. This variant has not been reported in the literature in individuals affected with PTCH1-related conditions. This variant is not present in population databases (gnomAD no frequency). This sequence change replaces arginine, which is basic and polar, with glycine, which is neutral and non-polar, at codon 1419 of the PTCH1 protein (p.Arg1419Gly).